The following is an entry in ClinVar:

ClinVar aggregate classification (germline): Uncertain significance (1 of 4 stars; one submission).

Submission:

Mayo Clinic Laboratories, Mayo Clinic
Classification: Uncertain significance. Last evaluated: 2023-04-21. Review status: criteria provided, single submitter. Criteria: ACMG Guidelines, 2015. Collection method: clinical testing. Allele origin: germline. Observed: 1 variant allele.
Comment: PM2_moderate

NM_017433.5(MYO3A):c.1627G>C (p.Ala543Pro)

Gene: MYO3A (myosin IIIA; plus strand). Cytogenetic location: 10p12.1.
Variant type: single nucleotide variant.
Coding change: c.1627G>C on transcript NM_017433.5 (MANE Select); coding-DNA position 1627, G replaced by C.
Protein change: p.Ala543Pro; replaces alanine 543 with proline.
Molecular consequence: missense variant.
Genome position (GRCh38, 1-based): chr10:26,096,445, G>C. VCF-style: chr10-26096445-G-C. GRCh37 (hg19) VCF-style: chr10-26385374-G-C.
Other names: p.Ala543Pro; short protein forms A543P.
Identifiers: ClinVar variation 3379952 (VCV003379952.1).
Genomic context (GRCh38, chr10:26,096,445, plus strand): 5'-GAAAAAAATTTTCATATTTTTTACTACATTTATGCTGGTTTGGCTGAAAAGAAGAAACTA[G>C]CCCATTACAAACTGCCTGAAAATAAGCCTCCCAGGTAATCTACCAGGTTGAGCTTTCATC-3'
Protein context (NP_059129.3, residues 533-553): YAGLAEKKKL[Ala543Pro]HYKLPENKPP